The following is an entry in ClinVar:

NM_005045.4(RELN):c.5677C>T (p.His1893Tyr)

Gene: RELN (reelin; minus strand). Cytogenetic location: 7q22.1.
Variant type: single nucleotide variant.
Coding change: c.5677C>T on transcript NM_005045.4 (MANE Select); coding-DNA position 5677, C replaced by T.
Protein change: p.His1893Tyr; replaces histidine 1893 with tyrosine.
Molecular consequence: missense variant.
Genome position (GRCh38, 1-based): chr7:103,557,097, G>A on the plus strand (C>T on the coding strand, the complement: RELN is on the minus strand). VCF-style: chr7-103557097-G-A. GRCh37 (hg19) VCF-style: chr7-103197544-G-A.
Other names: c.5677C>T, p.His1893Tyr (NM_173054.3); short protein forms H1893Y.
Identifiers: ClinVar variation 1047493 (VCV001047493.8), dbSNP rs1468373493, ClinGen allele CA368741760.

ClinVar aggregate classification (germline): Uncertain significance (1 of 4 stars; one submission).

Conditions:
Norman-Roberts syndrome (LIS2). Also called: Lissencephaly 2 (Norman-Roberts type). Identifiers: Orphanet 89844, MedGen C0796089, MONDO:0009760, OMIM 257320.
Familial temporal lobe epilepsy 7. Identifiers: Orphanet 101046, MedGen C4225327, MONDO:0014639, OMIM 616436.

Allele frequency attached by ClinVar (database versions not stated): gnomAD exomes below 0.00001.
gnomAD v4.1: 3 of 1,613,538 alleles (0.00019%); no homozygotes.

Submission:

Labcorp Genetics (formerly Invitae), Labcorp
Classification: Uncertain significance for Familial temporal lobe epilepsy 7; Norman-Roberts syndrome. Last evaluated: 2020-04-14. Review status: criteria provided, single submitter. Criteria: Invitae Variant Classification Sherloc (09022015). Collection method: clinical testing. Allele origin: germline.
Comment: In summary, the available evidence is currently insufficient to determine the role of this variant in disease. Therefore, it has been classified as a Variant of Uncertain Significance. Algorithms developed to predict the effect of sequence changes on RNA splicing suggest that this variant may create or strengthen a splice site, but this prediction has not been confirmed by published transcriptional studies. Algorithms developed to predict the effect of missense changes on protein structure and function (SIFT, PolyPhen-2, Align-GVGD) all suggest that this variant is likely to be tolerated, but these predictions have not been confirmed by published functional studies and their clinical significance is uncertain. This variant has not been reported in the literature in individuals with RELN-related conditions. This variant is not present in population databases (ExAC no frequency). This sequence change replaces histidine with tyrosine at codon 1893 of the RELN protein (p.His1893Tyr). The histidine residue is moderately conserved and there is a moderate physicochemical difference between histidine and tyrosine.